The following is an entry in ClinVar:

ClinVar aggregate classification (germline): Uncertain significance (1 of 4 stars; one submission).

Conditions:
Duchenne muscular dystrophy (DMD). Also called: Duchenne Muscular Dystrophy (DMD); MUSCULAR DYSTROPHY, PSEUDOHYPERTROPHIC PROGRESSIVE, DUCHENNE TYPE. Identifiers: Orphanet 98896, MedGen C0013264, MONDO:0010679, OMIM 310200.

Submission:

Labcorp Genetics (formerly Invitae), Labcorp
Classification: Uncertain significance for Duchenne muscular dystrophy. Last evaluated: 2025-12-23. Review status: criteria provided, single submitter. Criteria: Invitae Variant Classification Sherloc (09022015). Collection method: clinical testing. Allele origin: germline.
Comment: This sequence change replaces alanine, which is neutral and non-polar, with glycine, which is neutral and non-polar, at codon 203 of the DMD protein (p.Ala203Gly). This variant is not present in population databases (gnomAD no frequency). This variant has not been reported in the literature in individuals affected with DMD-related conditions. ClinVar contains an entry for this variant (Variation ID: 1463208). Invitae Evidence Modeling of protein sequence and biophysical properties (such as structural, functional, and spatial information, amino acid conservation, physicochemical variation, residue mobility, and thermodynamic stability) indicates that this missense variant is not expected to disrupt DMD protein function with a negative predictive value of 95%. In summary, the available evidence is currently insufficient to determine the role of this variant in disease. Therefore, it has been classified as a Variant of Uncertain Significance.

NM_004006.3(DMD):c.608C>G (p.Ala203Gly)

Gene: DMD (dystrophin; minus strand). Cytogenetic location: Xp21.1.
Variant type: single nucleotide variant.
Coding change: c.608C>G on transcript NM_004006.3 (MANE Select); coding-DNA position 608, C replaced by G.
Protein change: p.Ala203Gly; replaces alanine 203 with glycine.
Molecular consequence: missense variant.
Genome position (GRCh38, 1-based): chrX:32,809,534, G>C on the plus strand (C>G on the coding strand, the complement: DMD is on the minus strand). VCF-style: chrX-32809534-G-C. GRCh37 (hg19) VCF-style: chrX-32827651-G-C.
Other names: c.584C>G, p.Ala195Gly (NM_000109.4); c.596C>G, p.Ala199Gly (NM_004009.3); c.239C>G, p.Ala80Gly (NM_004010.3); short protein forms A199G, A203G, A80G, A195G.
Identifiers: ClinVar variation 1463208 (VCV001463208.8), dbSNP rs2148751075, ClinGen allele CA412673839.